The following is an entry in ClinVar:

NM_001123385.2(BCOR):c.4053C>T (p.Thr1351=)

Gene: BCOR (BCL6 corepressor; minus strand). Cytogenetic location: Xp11.4.
Variant type: single nucleotide variant.
Coding change: c.4053C>T on transcript NM_001123385.2 (MANE Select); coding-DNA position 4053, C replaced by T.
Protein change: p.Thr1351=; no amino-acid change (threonine 1351 retained).
Molecular consequence: synonymous variant.
Genome position (GRCh38, 1-based): chrX:40,062,866, G>A on the plus strand (C>T on the coding strand, the complement: BCOR is on the minus strand). VCF-style: chrX-40062866-G-A. GRCh37 (hg19) VCF-style: chrX-39922119-G-A.
Other names: c.3951C>T, p.Thr1317= (NM_001123383.2, NM_017745.6); c.3897C>T, p.Thr1299= (NM_001123384.2).
Identifiers: ClinVar variation 434507 (VCV000434507.12), dbSNP rs781252900, ClinGen allele CA10386518.

ClinVar aggregate classification (germline): Likely benign. Review status: criteria provided, multiple submitters, no conflicts (2 of 4 stars). 3 submissions from 3 submitters: Likely benign (2). 1 of the submissions does not count toward it. Last evaluated 2025-07-15.

Conditions:
BCOR-related disorder. Also called: BCOR-related disorders; BCOR-related condition.
Oculofaciocardiodental syndrome (MCOPS2). Identifiers: Orphanet 2712, MedGen C1846265, MONDO:0010261, OMIM 300166.

Allele frequency attached by ClinVar (database versions not stated): ExAC 0.00003; gnomAD 0.00003; TOPMed 0.00003; gnomAD exomes 0.00004 and 0.00007.
gnomAD v4.1: 86 of 1,209,752 alleles (0.0071%); highest among the groups gnomAD compares: Non-Finnish European, 0.0087%; no homozygotes.

Submissions (3):

Labcorp Genetics (formerly Invitae), Labcorp
Classification: Likely benign for Oculofaciocardiodental syndrome. Last evaluated: 2025-07-15. Review status: criteria provided, single submitter. Criteria: Invitae Variant Classification Sherloc (09022015). Collection method: clinical testing. Allele origin: germline.

Genetic Services Laboratory, University of Chicago
Classification: Likely benign. Last evaluated: 2015-11-18. Review status: criteria provided, single submitter. Criteria: ACMG Guidelines, 2015. Collection method: clinical testing. Allele origin: germline. Affected: no.

PreventionGenetics, part of Exact Sciences
Classification: Likely benign for BCOR-related condition. Last evaluated: 2019-09-17. Review status: no assertion criteria provided. Collection method: clinical testing. Allele origin: germline. Not counted in ClinVar's aggregate classification.
Comment: This variant is classified as likely benign based on ACMG/AMP sequence variant interpretation guidelines (Richards et al. 2015 PMID: 25741868, with internal and published modifications).